The following is an entry in ClinVar:

ClinVar aggregate classification (germline): Uncertain significance (1 of 4 stars; one submission).

Submission:

Labcorp Genetics (formerly Invitae), Labcorp
Classification: Uncertain significance. Last evaluated: 2022-04-11. Review status: criteria provided, single submitter. Criteria: Invitae Variant Classification Sherloc (09022015). Collection method: clinical testing. Allele origin: germline.
Comment: This sequence change replaces alanine, which is neutral and non-polar, with valine, which is neutral and non-polar, at codon 468 of the CDK13 protein (p.Ala468Val). This variant is not present in population databases (gnomAD no frequency). This variant has not been reported in the literature in individuals affected with CDK13-related conditions. Advanced modeling of protein sequence and biophysical properties (such as structural, functional, and spatial information, amino acid conservation, physicochemical variation, residue mobility, and thermodynamic stability) performed at Invitae indicates that this missense variant is not expected to disrupt CDK13 protein function. In summary, the available evidence is currently insufficient to determine the role of this variant in disease. Therefore, it has been classified as a Variant of Uncertain Significance.

NM_003718.5(CDK13):c.1403C>T (p.Ala468Val)

Gene: CDK13 (cyclin dependent kinase 13; plus strand). Cytogenetic location: 7p14.1.
Variant type: single nucleotide variant.
Coding change: c.1403C>T on transcript NM_003718.5 (MANE Select); coding-DNA position 1403, C replaced by T.
Protein change: p.Ala468Val; replaces alanine 468 with valine.
Molecular consequence: missense variant.
Genome position (GRCh38, 1-based): chr7:39,987,790, C>T. VCF-style: chr7-39987790-C-T. GRCh37 (hg19) VCF-style: chr7-40027389-C-T.
Other names: c.1403C>T, p.Ala468Val (NM_031267.4); short protein forms A468V.
Identifiers: ClinVar variation 2124649 (VCV002124649.4), dbSNP rs2483752904, ClinGen allele CA367282336.